The following is an entry in ClinVar:

ClinVar aggregate classification (germline): Likely benign (1 of 4 stars; one submission).

Submission:

Mayo Clinic Laboratories, Mayo Clinic
Classification: Likely benign. Last evaluated: 2025-10-17. Review status: criteria provided, single submitter. Criteria: ACMG Guidelines, 2015. Collection method: clinical testing. Allele origin: germline. Observed: 1 variant allele.
Comment: BP4, BP7

NM_130468.4(CHST14):c.129C>T (p.Ser43=)

Genes: CHST14 (carbohydrate sulfotransferase 14; plus strand), LOC130056851 (ATAC-STARR-seq lymphoblastoid silent region 6336; plus strand). Cytogenetic location: 15q15.1.
Variant type: single nucleotide variant.
Coding change: c.129C>T on transcript NM_130468.4 (MANE Select); coding-DNA position 129, C replaced by T.
Protein change: p.Ser43=; no amino-acid change (serine 43 retained).
Molecular consequence: synonymous variant.
Genome position (GRCh38, 1-based): chr15:40,471,342, C>T. VCF-style: chr15-40471342-C-T. GRCh37 (hg19) VCF-style: chr15-40763541-C-T.
Other names: p.Ser43=.
Identifiers: ClinVar variation 4683962 (VCV004683962.1).